The following is an entry in ClinVar:

ClinVar aggregate classification (germline): Uncertain significance (1 of 4 stars; one submission).

Conditions:
Ataxia-telangiectasia syndrome (AT). Also called: Ataxia-telangiectasia, complementation group D; ATAXIA-TELANGIECTASIA, COMPLEMENTATION GROUP A; ATAXIA-TELANGIECTASIA, FRESNO VARIANT; Ataxia-telangiectasia; Ataxia-telangiectasia, complementation group E; LOUIS-BAR SYNDROME. Identifiers: Orphanet 100, MedGen C0004135, MONDO:0008840, OMIM 208900.

Submission:

Labcorp Genetics (formerly Invitae), Labcorp
Classification: Uncertain significance for Ataxia-telangiectasia syndrome. Last evaluated: 2020-10-19. Review status: criteria provided, single submitter. Criteria: Invitae Variant Classification Sherloc (09022015). Collection method: clinical testing. Allele origin: germline.
Comment: In summary, the available evidence is currently insufficient to determine the role of this variant in disease. Therefore, it has been classified as a Variant of Uncertain Significance. Advanced modeling of protein sequence and biophysical properties (such as structural, functional, and spatial information, amino acid conservation, physicochemical variation, residue mobility, and thermodynamic stability) performed at Invitae indicates that this missense variant is not expected to disrupt ATM protein function. This variant has not been reported in the literature in individuals with ATM-related conditions. This variant is not present in population databases (ExAC no frequency). This sequence change replaces isoleucine with leucine at codon 77 of the ATM protein (p.Ile77Leu). The isoleucine residue is weakly conserved and there is a small physicochemical difference between isoleucine and leucine.

NM_000051.4(ATM):c.229A>C (p.Ile77Leu)

Gene: ATM (ATM serine/threonine kinase; plus strand). Cytogenetic location: 11q22.3.
Variant type: single nucleotide variant.
Coding change: c.229A>C on transcript NM_000051.4 (MANE Select); coding-DNA position 229, A replaced by C.
Protein change: p.Ile77Leu; replaces isoleucine 77 with leucine.
Molecular consequence: missense variant.
Genome position (GRCh38, 1-based): chr11:108,229,221, A>C. VCF-style: chr11-108229221-A-C. GRCh37 (hg19) VCF-style: chr11-108099948-A-C.
Other names: c.229A>C, p.Ile77Leu (NM_001351834.2, NM_001351835.2, NM_001351836.2); short protein forms I77L.
Identifiers: ClinVar variation 1038712 (VCV001038712.8), dbSNP rs1064796032, ClinGen allele CA382521452.